The following is an entry in ClinVar:

ClinVar aggregate classification (germline): Uncertain significance (1 of 4 stars; one submission).

Conditions:
Cardiovascular phenotype. Identifiers: MedGen CN230736.

Allele frequency attached by ClinVar (database versions not stated): ExAC 0.00001.

Submission:

Ambry Genetics
Classification: Uncertain significance for Cardiovascular phenotype. Last evaluated: 2021-08-07. Review status: criteria provided, single submitter. Criteria: Ambry Variant Classification Scheme 2023. Collection method: clinical testing. Allele origin: germline.
Comment: The p.P1194L variant (also known as c.3581C>T), located in coding exon 26 of the JAG1 gene, results from a C to T substitution at nucleotide position 3581. The proline at codon 1194 is replaced by leucine, an amino acid with similar properties. This amino acid position is conserved. In addition, this alteration is predicted to be deleterious by in silico analysis. Since supporting evidence is limited at this time, the clinical significance of this alteration remains unclear.

NM_000214.3(JAG1):c.3581C>T (p.Pro1194Leu)

Gene: JAG1 (jagged canonical Notch ligand 1; minus strand). Cytogenetic location: 20p12.2.
Variant type: single nucleotide variant.
Coding change: c.3581C>T on transcript NM_000214.3 (MANE Select); coding-DNA position 3581, C replaced by T.
Protein change: p.Pro1194Leu; replaces proline 1194 with leucine.
Molecular consequence: missense variant.
Genome position (GRCh38, 1-based): chr20:10,639,574, G>A on the plus strand (C>T on the coding strand, the complement: JAG1 is on the minus strand). VCF-style: chr20-10639574-G-A. GRCh37 (hg19) VCF-style: chr20-10620222-G-A.
Other names: short protein forms P1194L.
Identifiers: ClinVar variation 1732902 (VCV001732902.2), dbSNP rs765275653, ClinGen allele CA9764180.